The following is an entry in ClinVar:

ClinVar aggregate classification (germline): Uncertain significance (0 of 4 stars; one submission).

Conditions:
NRP2-related disorder. Also called: NRP2-related condition.

gnomAD v4.1: 2 of 1,614,118 alleles (0.00012%); highest among the groups gnomAD compares: Admixed American, 0.0033%; no homozygotes.

Submission:

PreventionGenetics, part of Exact Sciences
Classification: Uncertain significance for NRP2-related condition. Last evaluated: 2024-04-12. Review status: no assertion criteria provided. Collection method: clinical testing. Allele origin: germline.
Comment: The NRP2 c.2501A>C variant is predicted to result in the amino acid substitution p.Glu834Ala. To our knowledge, this variant has not been reported in the literature. This variant is reported in 0.0058% of alleles in individuals of Latino descent in gnomAD. At this time, the clinical significance of this variant is uncertain due to the absence of conclusive functional and genetic evidence.

NM_003872.3(NRP2):c.2486A>C (p.Glu829Ala)

Gene: NRP2 (neuropilin 2; plus strand). Cytogenetic location: 2q33.3.
Variant type: single nucleotide variant.
Coding change: c.2486A>C on transcript NM_003872.3 (MANE Select); coding-DNA position 2486, A replaced by C.
Protein change: p.Glu829Ala; replaces glutamic acid 829 with alanine.
Molecular consequence: missense variant.
Genome position (GRCh38, 1-based): chr2:205,794,763, A>C. VCF-style: chr2-205794763-A-C. GRCh37 (hg19) VCF-style: chr2-206659487-A-C.
Other names: c.2501A>C, p.Glu834Ala (NM_201266.2); c.2435A>C, p.Glu812Ala (NM_201279.2); short protein forms E812A, E829A, E834A.
Identifiers: ClinVar variation 3346777 (VCV003346777.1).
Genomic context (GRCh38, chr2:205,794,763, plus strand): 5'-ACCCTGACATAGGCAGTGCCTGCAATCTCTCATGAATTTTATGTATCGCAGATGAATACG[A>C]GGTGGACTGGAGCAATTCTTCTTCTGCAACCTCAGGGTCTGGCGCCCCCTCGACCGACAA-3'
Protein context (NP_003863.2, residues 819-839): GYEDEIDDEY[Glu829Ala]VDWSNSSSAT